The following is an entry in ClinVar:

ClinVar aggregate classification (germline): Uncertain significance. Review status: criteria provided, multiple submitters, no conflicts (2 of 4 stars). 3 submissions from 3 submitters: Uncertain significance (3). Last evaluated 2025-02-02.

Conditions:
Cardiovascular phenotype. Identifiers: MedGen CN230736.

Allele frequency attached by ClinVar (database versions not stated): gnomAD exomes below 0.00001; gnomAD 0.00001 and 0.00002; TOPMed 0.00002.
gnomAD v4.1: 8 of 1,613,860 alleles (0.0005%); highest among the groups gnomAD compares: Admixed American, 0.0033%; no homozygotes.

Submissions (3):

Labcorp Genetics (formerly Invitae), Labcorp
Classification: Uncertain significance. Last evaluated: 2025-02-02. Review status: criteria provided, single submitter. Criteria: Invitae Variant Classification Sherloc (09022015). Collection method: clinical testing. Allele origin: germline.
Comment: This sequence change replaces arginine, which is basic and polar, with glutamine, which is neutral and polar, at codon 1792 of the ALPK3 protein (p.Arg1792Gln). This variant is present in population databases (no rsID available, gnomAD 0.005%). This variant has not been reported in the literature in individuals affected with ALPK3-related conditions. ClinVar contains an entry for this variant (Variation ID: 1485063). Invitae Evidence Modeling of protein sequence and biophysical properties (such as structural, functional, and spatial information, amino acid conservation, physicochemical variation, residue mobility, and thermodynamic stability) indicates that this missense variant is expected to disrupt ALPK3 protein function with a positive predictive value of 80%. In summary, the available evidence is currently insufficient to determine the role of this variant in disease. Therefore, it has been classified as a Variant of Uncertain Significance.

Ambry Genetics
Classification: Uncertain significance for Cardiovascular phenotype. Last evaluated: 2024-10-15. Review status: criteria provided, single submitter. Criteria: Ambry Variant Classification Scheme 2023. Collection method: clinical testing. Allele origin: germline.
Comment: The p.R1792Q variant (also known as c.5375G>A), located in coding exon 13 of the ALPK3 gene, results from a G to A substitution at nucleotide position 5375. The arginine at codon 1792 is replaced by glutamine, an amino acid with highly similar properties. This amino acid position is conserved. In addition, this alteration is predicted to be tolerated by in silico analysis. Since supporting evidence is limited at this time, the clinical significance of this alteration remains unclear.

GeneDx
Classification: Uncertain significance. Last evaluated: 2024-09-05. Review status: criteria provided, single submitter. Criteria: GeneDx Variant Classification Process June 2021. Collection method: clinical testing. Allele origin: germline. Affected: yes.
Comment: Has not been previously published as pathogenic or benign to our knowledge; Not observed at significant frequency in large population cohorts (gnomAD); In silico analysis indicates that this missense variant does not alter protein structure/function

NM_020778.5(ALPK3):c.4769G>A (p.Arg1590Gln)

Gene: ALPK3 (alpha kinase 3; plus strand). Cytogenetic location: 15q25.3.
Variant type: single nucleotide variant.
Coding change: c.4769G>A on transcript NM_020778.5 (MANE Select); coding-DNA position 4769, G replaced by A.
Protein change: p.Arg1590Gln; replaces arginine 1590 with glutamine.
Molecular consequence: missense variant.
Genome position (GRCh38, 1-based): chr15:84,867,362, G>A. VCF-style: chr15-84867362-G-A. GRCh37 (hg19) VCF-style: chr15-85410593-G-A.
Other names: short protein forms R1590Q.
Identifiers: ClinVar variation 1485063 (VCV001485063.12), dbSNP rs1432141737, ClinGen allele CA393365504.
Genomic context (GRCh38, chr15:84,867,362, plus strand): 5'-TTTCTCTCTTTTCAGGGGTTGACTGGAAGATGACTGATGTGCAGATTGCTACCAAACTCC[G>A]AGGGTGAGTGGTTCTTGGGGACAGAATGCCCTCTGGGCGTCTTCTCAGGGTGTAAAATGT-3'
Protein context (NP_065829.4, residues 1580-1600): MTDVQIATKL[Arg1590Gln]GYQGLKESCF